The following is an entry in ClinVar:

ClinVar aggregate classification (germline): Uncertain significance (1 of 4 stars; one submission).

Conditions:
Niemann-Pick disease, type C1. Also called: NEUROVISCERAL STORAGE DISEASE WITH VERTICAL SUPRANUCLEAR OPHTHALMOPLEGIA; NIEMANN-PICK DISEASE WITH CHOLESTEROL ESTERIFICATION BLOCK; NIEMANN-PICK DISEASE WITHOUT SPHINGOMYELINASE DEFICIENCY; NIEMANN-PICK DISEASE, CHRONIC NEURONOPATHIC FORM; NIEMANN-PICK DISEASE, VARIANT TYPE C1. Identifiers: Orphanet 646, MedGen C3179455, MONDO:0009757, OMIM 257220.

Allele frequency attached by ClinVar (database versions not stated): gnomAD exomes below 0.00001; gnomAD 0.00004; TOPMed 0.00005; ESP Exome Variant Server 0.00015.
gnomAD v4.1: 8 of 1,614,008 alleles (0.0005%); highest among the groups gnomAD compares: African/African-American, 0.011%; no homozygotes.

Submission:

Labcorp Genetics (formerly Invitae), Labcorp
Classification: Uncertain significance for Niemann-Pick disease, type C1. Last evaluated: 2021-08-30. Review status: criteria provided, single submitter. Criteria: Invitae Variant Classification Sherloc (09022015). Collection method: clinical testing. Allele origin: germline.
Comment: This sequence change replaces serine with isoleucine at codon 1169 of the NPC1 protein (p.Ser1169Ile). The serine residue is moderately conserved and there is a large physicochemical difference between serine and isoleucine. This variant is not present in population databases (ExAC no frequency). This variant has not been reported in the literature in individuals affected with NPC1-related conditions. Advanced modeling of protein sequence and biophysical properties (such as structural, functional, and spatial information, amino acid conservation, physicochemical variation, residue mobility, and thermodynamic stability) performed at Invitae indicates that this missense variant is expected to disrupt NPC1 protein function. In summary, the available evidence is currently insufficient to determine the role of this variant in disease. Therefore, it has been classified as a Variant of Uncertain Significance.

NM_000271.5(NPC1):c.3506G>T (p.Ser1169Ile)

Gene: NPC1 (NPC intracellular cholesterol transporter 1; minus strand). Cytogenetic location: 18q11.2.
Variant type: single nucleotide variant.
Coding change: c.3506G>T on transcript NM_000271.5 (MANE Select); coding-DNA position 3506, G replaced by T.
Protein change: p.Ser1169Ile; replaces serine 1169 with isoleucine.
Molecular consequence: missense variant.
Genome position (GRCh38, 1-based): chr18:23,534,531, C>A on the plus strand (G>T on the coding strand, the complement: NPC1 is on the minus strand). VCF-style: chr18-23534531-C-A. GRCh37 (hg19) VCF-style: chr18-21114495-C-A.
Other names: short protein forms S1169I.
Identifiers: ClinVar variation 1397576 (VCV001397576.3), dbSNP rs139612110, ClinGen allele CA297078684.